The following is an entry in ClinVar:

NM_182961.4(SYNE1):c.17089C>T (p.Arg5697Trp)

Genes: SYNE1 (spectrin repeat containing nuclear envelope protein 1; minus strand), LOC126859837 (BRD4-independent group 4 enhancer GRCh37_chr6:152630775-152631974; plus strand). Cytogenetic location: 6q25.2.
Variant type: single nucleotide variant.
Coding change: c.17089C>T on transcript NM_182961.4 (MANE Select); coding-DNA position 17089, C replaced by T.
Protein change: p.Arg5697Trp; replaces arginine 5697 with tryptophan.
Molecular consequence: missense variant.
Genome position (GRCh38, 1-based): chr6:152,309,948, G>A on the plus strand (C>T on the coding strand, the complement: SYNE1 is on the minus strand). VCF-style: chr6-152309948-G-A. GRCh37 (hg19) VCF-style: chr6-152631083-G-A.
Other names: c.16876C>T (NM_033071.3); c.16876C>T, p.Arg5626Trp (NM_033071.5); short protein forms R5697W, R5626W.
Identifiers: ClinVar variation 597402 (VCV000597402.15), dbSNP rs150290283, ClinGen allele CA4055343.
Genomic context (GRCh38, chr6:152,309,948, plus strand): 5'-CCTGCAGCCGCAGAGCAGCATGACAGAGAGGTAAGCTGGCAACCACATCCTCGGGGATCC[G>A]GAGGGCACTCTGGCAGAGCTGCACTGCTTGCACCTTCGGCTTCAGTGACTCCATCTCAGA-3'
Protein context (NP_892006.3, residues 5687-5707): QAVQLCQSAL[Arg5697Trp]IPEDVVASLP

ClinVar aggregate classification (germline): Uncertain significance. Review status: criteria provided, multiple submitters, no conflicts (2 of 4 stars). 5 submissions from 5 submitters: Uncertain significance (5). Last evaluated 2026-05-11.

Conditions:
Emery-Dreifuss muscular dystrophy 4, autosomal dominant (EDMD4). Also called: EMERY-DREIFUSS MUSCULAR DYSTROPHY 4 WITH VARIABLE FEATURES. Identifiers: Orphanet 261, MedGen C2751807, MONDO:0013071, OMIM 612998.
Autosomal recessive ataxia, Beauce type. Also called: Spinocerebellar ataxia, autosomal recessive 8; ATAXIA, RECESSIVE, OF BEAUCE; SYNE1 Deficiency; SYNE1-Related Autosomal Recessive Cerebellar Ataxia. Identifiers: Orphanet 88644, MedGen C1853116, MONDO:0012549, OMIM 610743.

Allele frequency attached by ClinVar (database versions not stated): gnomAD exomes 0.00008; TOPMed 0.00008; gnomAD 0.00010 and 0.00012; ExAC 0.00012; ESP Exome Variant Server 0.00015.
gnomAD v4.1: 123 of 1,613,994 alleles (0.0076%); highest among the groups gnomAD compares: Admixed American, 0.017%; no homozygotes.

Submissions (5):

GeneDx
Classification: Uncertain significance. Last evaluated: 2026-05-11. Review status: criteria provided, single submitter. Criteria: GeneDx Variant Classification Process June 2021. Collection method: clinical testing. Allele origin: germline.
Comment: In silico analysis supports that this missense variant has a deleterious effect on protein structure/function; Has not been previously published as pathogenic or benign to our knowledge; This variant is associated with the following publications: (PMID: 32579932)

Revvity Omics, Revvity
Classification: Uncertain significance. Last evaluated: 2025-06-13. Review status: criteria provided, single submitter. Criteria: ACMG Guidelines, 2015. Collection method: clinical testing. Allele origin: germline.

Blueprint Genetics
Classification: Uncertain significance. Last evaluated: 2023-12-28. Review status: criteria provided, single submitter. Criteria: ACMG Guidelines, 2015. Collection method: clinical testing. Allele origin: germline.

Labcorp Genetics (formerly Invitae), Labcorp
Classification: Uncertain significance for Emery-Dreifuss muscular dystrophy 4, autosomal dominant; Autosomal recessive ataxia, Beauce type. Last evaluated: 2022-08-30. Review status: criteria provided, single submitter. Criteria: Invitae Variant Classification Sherloc (09022015). Collection method: clinical testing. Allele origin: germline.
Comment: This sequence change replaces arginine, which is basic and polar, with tryptophan, which is neutral and slightly polar, at codon 5626 of the SYNE1 protein (p.Arg5626Trp). This variant is present in population databases (rs150290283, gnomAD 0.02%). This variant has not been reported in the literature in individuals affected with SYNE1-related conditions. ClinVar contains an entry for this variant (Variation ID: 597402). Algorithms developed to predict the effect of missense changes on protein structure and function (SIFT, PolyPhen-2, Align-GVGD) all suggest that this variant is likely to be disruptive. In summary, the available evidence is currently insufficient to determine the role of this variant in disease. Therefore, it has been classified as a Variant of Uncertain Significance.

Eurofins Ntd Llc (ga)
Classification: Uncertain significance. Last evaluated: 2018-06-05. Review status: criteria provided, single submitter. Criteria: EGL ClinVar v180209 classification definitions. Collection method: clinical testing. Allele origin: germline. Observed: 1 variant allele, 1 heterozygote.